The following is an entry in ClinVar:

ClinVar aggregate classification (germline): Uncertain significance (1 of 4 stars; one submission).

Submission:

Labcorp Genetics (formerly Invitae), Labcorp
Classification: Uncertain significance. Last evaluated: 2022-07-12. Review status: criteria provided, single submitter. Criteria: Invitae Variant Classification Sherloc (09022015). Collection method: clinical testing. Allele origin: germline.
Comment: In summary, the available evidence is currently insufficient to determine the role of this variant in disease. Therefore, it has been classified as a Variant of Uncertain Significance. Algorithms developed to predict the effect of missense changes on protein structure and function are either unavailable or do not agree on the potential impact of this missense change (SIFT: "Deleterious"; PolyPhen-2: "Probably Damaging"; Align-GVGD: "Class C15"). ClinVar contains an entry for this variant (Variation ID: 1350514). This variant has not been reported in the literature in individuals affected with CACNA1D-related conditions. This variant is not present in population databases (gnomAD no frequency). This sequence change replaces asparagine, which is neutral and polar, with isoleucine, which is neutral and non-polar, at codon 1559 of the CACNA1D protein (p.Asn1559Ile).

NM_001128840.3(CACNA1D):c.4616A>T (p.Asn1539Ile)

Gene: CACNA1D (calcium voltage-gated channel subunit alpha1 D; plus strand). Cytogenetic location: 3p21.1.
Variant type: single nucleotide variant.
Coding change: c.4616A>T on transcript NM_001128840.3 (MANE Select); coding-DNA position 4616, A replaced by T.
Protein change: p.Asn1539Ile; replaces asparagine 1539 with isoleucine.
Molecular consequence: missense variant.
Genome position (GRCh38, 1-based): chr3:53,780,054, A>T. VCF-style: chr3-53780054-A-T. GRCh37 (hg19) VCF-style: chr3-53814081-A-T.
Other names: c.4676A>T, p.Asn1559Ile (NM_000720.4); c.4571A>T, p.Asn1524Ile (NM_001128839.3); short protein forms N1539I, N1559I, N1524I.
Identifiers: ClinVar variation 1350514 (VCV001350514.8), dbSNP rs773233621, ClinGen allele CA353244753.
Genomic context (GRCh38, chr3:53,780,054, plus strand): 5'-TTCTACAAAGAAACCTTCCTTTCTGTTTACAGAGATTAGTTGCCATGAACATGCCTCTCA[A>T]CAGTGACGGGACAGTCATGTTTAATGCAACCCTGTTTGCTTTGGTTCGAACGGCTCTTAA-3'
Protein context (NP_001122312.1, residues 1529-1549): KRLVAMNMPL[Asn1539Ile]SDGTVMFNAT